The following is an entry in ClinVar:

ClinVar aggregate classification (germline): Conflicting classifications of pathogenicity. Review status: criteria provided, conflicting classifications (1 of 4 stars). 5 submissions from 5 submitters: Likely pathogenic (3); Uncertain significance (2). Last evaluated 2025-07-03.

Conditions:
Plasma factor XI deficiency.
Hereditary factor XI deficiency disease. Also called: PLASMA THROMBOPLASTIN ANTECEDENT DEFICIENCY; PTA DEFICIENCY; ROSENTHAL SYNDROME; Congenital factor XI deficiency. Identifiers: Orphanet 329, MedGen C0015523, MeSH D005173, MONDO:0012897, OMIM 612416.

Allele frequency attached by ClinVar (database versions not stated): ExAC 0.00002; gnomAD exomes 0.00002; gnomAD 0.00003; TOPMed 0.00007; ESP Exome Variant Server 0.00008.
gnomAD v4.1: 28 of 1,613,912 alleles (0.0017%); highest among the groups gnomAD compares: Non-Finnish European, 0.0019%; no homozygotes.

Submissions (5):

Natera, Inc.
Classification: Likely pathogenic for Plasma factor XI deficiency. Last evaluated: 2025-07-03. Review status: criteria provided, single submitter. Criteria: Natera Variant Classification Schema (03/2026). Collection method: clinical testing. Allele origin: germline.
Comment: The c.1327C>T variant in F11 is a missense variant predicted to cause substitution of arginine to cysteine at amino acid 443. This variant is rare in the general population with a frequency below the threshold expected for the associated phenotype(s). This variant has been observed in affected individual(s) with monoallelic occurrence (heterozygous/hemizygous) (PMID: 16835901, 19652879). This variant has been identified in one or more affected individual with a phenotype highly consistent with the associated gene (PMID: 16835901, 19652879). Computational prediction algorithms indicate this variant is likely to affect gene or protein function. Given the available evidence, this variant is classified as Likely Pathogenic.

Women's Health and Genetics/Laboratory Corporation of America, LabCorp
Classification: Likely pathogenic for Hereditary factor XI deficiency disease. Last evaluated: 2025-02-20. Review status: criteria provided, single submitter. Criteria: LabCorp Variant Classification Summary - May 2015. Collection method: clinical testing. Allele origin: germline.
Comment: Variant summary: F11 c.1327C>T (p.Arg443Cys) results in a non-conservative amino acid change located in the Serine proteases, trypsin domain (IPR001254) of the encoded protein sequence. Five of five in-silico tools predict a damaging effect of the variant on protein function. The variant allele was found at a frequency of 2.4e-05 in 251362 control chromosomes. c.1327C>T has been reported in the heterozygous state in the literature in multiple individuals affected with autosomal dominant Hereditary factor XI deficiency disease (example, Mitchell_2006, Pagan-Escribano_2023, Saunders_2009, Strauss_2009). These data indicate that the variant is likely to be associated with disease. To our knowledge, no experimental evidence demonstrating an impact on protein function in vitro has been reported. The following publications have been ascertained in the context of this evaluation (PMID: 16835901, 38003459, 19652879, 19630565). ClinVar contains an entry for this variant (Variation ID: 1324363). Based on the evidence outlined above, the variant was classified as likely pathogenic.

Mayo Clinic Laboratories, Mayo Clinic
Classification: Uncertain significance. Last evaluated: 2024-08-01. Review status: criteria provided, single submitter. Criteria: ACMG Guidelines, 2015. Collection method: clinical testing. Allele origin: germline. Observed: 1 variant allele.
Comment: PP3, PM1_supporting

Blueprint Genetics
Classification: Uncertain significance. Last evaluated: 2024-01-11. Review status: criteria provided, single submitter. Criteria: ACMG Guidelines, 2015. Collection method: clinical testing. Allele origin: germline.

Revvity Omics, Revvity
Classification: Likely pathogenic for Hereditary factor XI deficiency disease. Last evaluated: 2019-06-25. Review status: criteria provided, single submitter. Criteria: ACMG Guidelines, 2015. Collection method: clinical testing. Allele origin: germline.

Literature cited by the submitters: PubMed 16835901 (cited by 3 submitters); PubMed 19652879 (cited by 3 submitters); PubMed 19630565 (cited by Women's Health and Genetics/Laboratory Corporation of America, LabCorp and Mayo Clinic Laboratories, Mayo Clinic); PubMed 38003459 (cited by Women's Health and Genetics/Laboratory Corporation of America, LabCorp and Mayo Clinic Laboratories, Mayo Clinic); PubMed 31028937 (cited by Mayo Clinic Laboratories, Mayo Clinic); PubMed 35059554 (cited by Mayo Clinic Laboratories, Mayo Clinic); PubMed 36050548 (cited by Mayo Clinic Laboratories, Mayo Clinic); PubMed 37647632 (cited by Mayo Clinic Laboratories, Mayo Clinic).

NM_000128.4(F11):c.1327C>T (p.Arg443Cys)

Gene: F11 (coagulation factor XI; plus strand). Cytogenetic location: 4q35.2.
Variant type: single nucleotide variant.
Coding change: c.1327C>T on transcript NM_000128.4 (MANE Select); coding-DNA position 1327, C replaced by T.
Protein change: p.Arg443Cys; replaces arginine 443 with cysteine.
Molecular consequence: missense variant.
Genome position (GRCh38, 1-based): chr4:186,285,660, C>T. VCF-style: chr4-186285660-C-T. GRCh37 (hg19) VCF-style: chr4-187206814-C-T.
Other names: p.Arg443Cys; short protein forms R443C.
Identifiers: ClinVar variation 1324363 (VCV001324363.8), dbSNP rs369435407, ClinGen allele CA3163965.